The following is an entry in ClinVar:

ClinVar aggregate classification (germline): Uncertain significance (1 of 4 stars; one submission).

gnomAD v4.1: 54 of 1,614,158 alleles (0.0033%); highest among the groups gnomAD compares: South Asian, 0.057%; no homozygotes.

Submission:

GeneDx
Classification: Uncertain significance. Last evaluated: 2025-02-14. Review status: criteria provided, single submitter. Criteria: GeneDx Variant Classification Process June 2021. Collection method: clinical testing. Allele origin: germline. Affected: yes.
Comment: In silico analysis supports that this missense variant has a deleterious effect on protein structure/function; Has not been previously published as pathogenic or benign to our knowledge

NM_001042603.3(KDM5A):c.2933T>C (p.Val978Ala)

Gene: KDM5A (lysine demethylase 5A; minus strand). Cytogenetic location: 12p13.33.
Variant type: single nucleotide variant.
Coding change: c.2933T>C on transcript NM_001042603.3 (MANE Select); coding-DNA position 2933, T replaced by C.
Protein change: p.Val978Ala; replaces valine 978 with alanine.
Molecular consequence: missense variant.
Genome position (GRCh38, 1-based): chr12:313,159, A>G on the plus strand (T>C on the coding strand, the complement: KDM5A is on the minus strand). VCF-style: chr12-313159-A-G. GRCh37 (hg19) VCF-style: chr12-422325-A-G.
Other names: short protein forms V978A.
Identifiers: ClinVar variation 4076708 (VCV004076708.1).